The following is an entry in ClinVar:

NM_001371279.1(REEP1):c.478del (p.Arg160fs)

Gene: REEP1 (receptor accessory protein 1; minus strand). Cytogenetic location: 2p11.2.
Variant type: Deletion.
Coding change: c.478del on transcript NM_001371279.1 (MANE Select); coding-DNA position 478, one base deleted (A; older notation c.478delA).
Protein change: p.Arg160fs; shifts the reading frame from arginine 160.
Molecular consequence: frameshift variant. On other transcripts: intron variant (1).
Genome position (GRCh38, 1-based): chr2:86,232,742, T deleted on the plus strand (A on the coding strand, the reverse complement: REEP1 is on the minus strand). VCF-style (leftmost placement, unchanged base first): chr2-86232741-CT-C. GRCh37 (hg19) VCF-style: chr2-86459864-CT-C.
Other names: c.499del, p.Arg167fs (NM_001164730.2); c.397del, p.Arg133fs (NM_001164731.2); c.243del, p.Glu83fs (NM_001164732.2); c.478del, p.Arg160fs (NM_022912.3); c.418-15632del (NM_001371280.1); short protein forms E83fs, R133fs, R160fs, R167fs.
Identifiers: ClinVar variation 1012951 (VCV001012951.45), dbSNP rs1675100502, ClinGen allele CA1267133904.
Genomic context (GRCh38, chr2:86,232,741, plus strand): 5'-CCGCTGGCCCGCCCAGACCCCGGTGGTGGGGGGCCCGAGGGAGCAGGGGCGCCGTCTCCC[CT>C]GATGGTGGTGAGGTCCTGCATGCTGAAGCTCCGCAGTCTCTCCGATAAGGCACCCTGTCC-3'

ClinVar aggregate classification (germline): Conflicting classifications of pathogenicity. Review status: criteria provided, conflicting classifications (1 of 4 stars). 4 submissions from 4 submitters: Pathogenic (2); Likely pathogenic (1); Uncertain significance (1). Last evaluated 2024-04-04.

Conditions:
REEP1-related disorder. Also called: REEP1-related condition.
Hereditary spastic paraplegia 31. Also called: SPASTIC PARAPLEGIA 31, AUTOSOMAL DOMINANT. Identifiers: Orphanet 101011, MedGen C1853247, MONDO:0012453, OMIM 610250.

Submissions (4):

Genomic Medicine Center of Excellence, King Faisal Specialist Hospital and Research Centre
Classification: Uncertain significance for Hereditary spastic paraplegia 31. Last evaluated: 2024-04-04. Review status: criteria provided, single submitter. Criteria: ACMG Guidelines, 2015. Collection method: clinical testing. Allele origin: germline.

Blueprint Genetics
Classification: Likely pathogenic for REEP1-related disorders. Last evaluated: 2021-07-01. Review status: criteria provided, single submitter. Criteria: ACMG Guidelines, 2015. Collection method: clinical testing. Allele origin: germline. Affected: yes. Observed: 1 variant allele.

Labcorp Genetics (formerly Invitae), Labcorp
Classification: Pathogenic for Hereditary spastic paraplegia 31. Last evaluated: 2021-06-21. Review status: criteria provided, single submitter. Criteria: Invitae Variant Classification Sherloc (09022015). Collection method: clinical testing. Allele origin: germline.
Comment: For these reasons, this variant has been classified as Pathogenic. This variant results in an extension of the REEP1 protein. Other variant(s) that result in a similarly extended protein product (p.Ala166Leufs*57) have been determined to be pathogenic (Invitae). This suggests that these extensions are likely to be causative of disease. This variant has been observed in individual(s) with hereditary spastic paraplegia (PMID: 18644145). ClinVar contains an entry for this variant (Variation ID: 1012951). This variant is not present in population databases (ExAC no frequency). This sequence change results in a frameshift in the REEP1 gene (p.Arg160Glyfs*63). While this is not anticipated to result in nonsense mediated decay, it is expected to disrupt the last 42 amino acid(s) of the REEP1 protein and extend the protein by 20 additional amino acid residues.

CeGaT Center for Human Genetics Tuebingen
Classification: Pathogenic. Last evaluated: 2020-11-01. Review status: criteria provided, single submitter. Criteria: CeGaT Center For Human Genetics Tuebingen Variant Classification Criteria Version 2. Collection method: clinical testing. Allele origin: germline. Affected: yes. Observed: 2 variant alleles.

Literature cited by the submitters: PubMed 18644145 (cited by Labcorp Genetics (formerly Invitae), Labcorp).